The following is an entry in ClinVar:

NM_000171.4(GLRA1):c.993C>T (p.Ala331=)

Gene: GLRA1 (glycine receptor alpha 1; minus strand). Cytogenetic location: 5q33.1.
Variant type: single nucleotide variant.
Coding change: c.993C>T on transcript NM_000171.4 (MANE Select); coding-DNA position 993, C replaced by T.
Protein change: p.Ala331=; no amino-acid change (alanine 331 retained).
Molecular consequence: synonymous variant.
Genome position (GRCh38, 1-based): chr5:151,828,987, G>A on the plus strand (C>T on the coding strand, the complement: GLRA1 is on the minus strand). VCF-style: chr5-151828987-G-A. GRCh37 (hg19) VCF-style: chr5-151208548-G-A.
Other names: c.993C>T, p.Ala331= (NM_001146040.2); c.744C>T, p.Ala248= (NM_001292000.2).
Identifiers: ClinVar variation 352311 (VCV000352311.17), dbSNP rs17112272, ClinGen allele CA3523559.

ClinVar aggregate classification (germline): Benign/Likely benign. Review status: criteria provided, multiple submitters, no conflicts (2 of 4 stars). 4 submissions from 4 submitters: Benign (3); Likely benign (1). Last evaluated 2026-02-03.

Conditions:
Hereditary hyperekplexia. Identifiers: Orphanet 3197, MedGen C4084968, MONDO:0021022.
Hyperekplexia 1 (STHE). Also called: KOK DISEASE; STARTLE DISEASE, FAMILIAL; STIFF-BABY SYNDROME; STIFF-MAN SYNDROME, CONGENITAL; STIFF-PERSON SYNDROME, CONGENITAL; HYPEREKPLEXIA 1, AUTOSOMAL DOMINANT. Identifiers: Orphanet 3197, MedGen C4551954, MONDO:0007868, OMIM 149400.

Allele frequency attached by ClinVar (database versions not stated): gnomAD exomes 0.00111; ExAC 0.00143; 1000 Genomes Project 0.00319; 1000 Genomes Project 30x 0.00359; ESP Exome Variant Server 0.00423; gnomAD 0.00437 and 0.00476; TOPMed 0.00486.
gnomAD v4.1: 1,293 of 1,614,070 alleles (0.08%); highest among the groups gnomAD compares: African/African-American, 1.5%; 11 homozygotes.

Submissions (4):

Labcorp Genetics (formerly Invitae), Labcorp
Classification: Benign for Hereditary hyperekplexia. Last evaluated: 2026-02-03. Review status: criteria provided, single submitter. Criteria: Invitae Variant Classification Sherloc (09022015). Collection method: clinical testing. Allele origin: germline.

Blueprint Genetics
Classification: Likely benign. Last evaluated: 2024-09-04. Review status: criteria provided, single submitter. Criteria: ACMG Guidelines, 2015. Collection method: clinical testing. Allele origin: germline.

GeneDx
Classification: Benign. Last evaluated: 2019-03-13. Review status: criteria provided, single submitter. Criteria: GeneDx Variant Classification Process June 2021. Collection method: clinical testing. Allele origin: germline. Affected: yes.

Illumina Laboratory Services, Illumina
Classification: Benign for Hyperekplexia 1. Last evaluated: 2018-01-13. Review status: criteria provided, single submitter. Criteria: ICSL Variant Classification Criteria 13 December 2019. Collection method: clinical testing. Allele origin: germline.
Comment: This variant was observed in the ICSL laboratory as part of a predisposition screen in an ostensibly healthy population. It had not been previously curated by ICSL or reported in the Human Gene Mutation Database (HGMD: prior to June 1st, 2018), and was therefore a candidate for classification through an automated scoring system. Utilizing variant allele frequency, disease prevalence and penetrance estimates, and inheritance mode, an automated score was calculated to assess if this variant is too frequent to cause the disease. Based on the score and internal cut-off values, a variant classified as benign is not then subjected to further curation. The score for this variant resulted in a classification of benign for this disease.